The following is an entry in ClinVar:

NM_024649.5(BBS1):c.104A>G (p.His35Arg)

Gene: BBS1 (Bardet-Biedl syndrome 1; plus strand). Cytogenetic location: 11q13.2.
Variant type: single nucleotide variant.
Coding change: c.104A>G on transcript NM_024649.5 (MANE Select); coding-DNA position 104, A replaced by G.
Protein change: p.His35Arg; replaces histidine 35 with arginine.
Molecular consequence: missense variant.
Genome position (GRCh38, 1-based): chr11:66,511,069, A>G. VCF-style: chr11-66511069-A-G. GRCh37 (hg19) VCF-style: chr11-66278540-A-G.
Other names: short protein forms H35R.
Identifiers: ClinVar variation 1432163 (VCV001432163.6), dbSNP rs775990952, ClinGen allele CA6123237.

ClinVar aggregate classification (germline): Uncertain significance (1 of 4 stars; one submission).

Conditions:
Bardet-Biedl syndrome (BBS). Identifiers: Orphanet 110, MedGen C0752166, MONDO:0015229.

Allele frequency attached by ClinVar (database versions not stated): gnomAD exomes below 0.00001 and 0.00001; ExAC 0.00001.
gnomAD v4.1: 1 of 1,613,994 alleles (0.000062%); highest among the groups gnomAD compares: Non-Finnish European, 0.000085%; no homozygotes.

Submission:

Labcorp Genetics (formerly Invitae), Labcorp
Classification: Uncertain significance for Bardet-Biedl syndrome. Last evaluated: 2022-08-23. Review status: criteria provided, single submitter. Criteria: Invitae Variant Classification Sherloc (09022015). Collection method: clinical testing. Allele origin: germline.
Comment: In summary, the available evidence is currently insufficient to determine the role of this variant in disease. Therefore, it has been classified as a Variant of Uncertain Significance. Experimental studies are conflicting or provide insufficient evidence to determine the effect of this variant on BBS1 function (PMID: 20498079). Algorithms developed to predict the effect of missense changes on protein structure and function (SIFT, PolyPhen-2, Align-GVGD) all suggest that this variant is likely to be tolerated. ClinVar contains an entry for this variant (Variation ID: 1432163). This missense change has been observed in individual(s) with clinical features of Bardet-Biedl syndrome (PMID: 12677556). This variant is present in population databases (rs775990952, gnomAD 0.0009%). This sequence change replaces histidine, which is basic and polar, with arginine, which is basic and polar, at codon 35 of the BBS1 protein (p.His35Arg).

Literature cited by the submitters: PubMed 20498079; PubMed 12677556.